The following is an entry in ClinVar:

NM_001039803.3(CDK20):c.190-6C>A

Gene: CDK20 (cyclin dependent kinase 20; minus strand). Cytogenetic location: 9q22.1.
Variant type: single nucleotide variant.
Coding change: c.190-6C>A on transcript NM_001039803.3 (MANE Select); 6 bases into the intron before coding-DNA position 190, C replaced by A.
Molecular consequence: intron variant.
Genome position (GRCh38, 1-based): chr9:87,971,341, G>T on the plus strand (C>A on the coding strand, the complement: CDK20 is on the minus strand). VCF-style: chr9-87971341-G-T. GRCh37 (hg19) VCF-style: chr9-90586256-G-T.
Other names: c.190-6C>A (NM_001170640.2, NM_001170639.2, NM_012119.5); c.229-6C>A (NM_178432.4).
Identifiers: ClinVar variation 3357848 (VCV003357848.1).

ClinVar aggregate classification (germline): Likely benign (0 of 4 stars; one submission).

Conditions:
CDK20-related disorder. Also called: CDK20-related condition.

gnomAD v4.1: 5 of 1,607,748 alleles (0.00031%); highest among the groups gnomAD compares: Non-Finnish European, 0.00042%; no homozygotes.

Submission:

PreventionGenetics, part of Exact Sciences
Classification: Likely benign for CDK20-related condition. Last evaluated: 2024-09-25. Review status: no assertion criteria provided. Collection method: clinical testing. Allele origin: germline.
Comment: This variant is classified as likely benign based on ACMG/AMP sequence variant interpretation guidelines (Richards et al. 2015 PMID: 25741868, with internal and published modifications).